The following is an entry in ClinVar:

ClinVar aggregate classification (germline): Conflicting classifications of pathogenicity. Review status: criteria provided, conflicting classifications (1 of 4 stars). 10 submissions from 10 submitters: Uncertain significance (7); Likely benign (3). Last evaluated 2026-08-13.

Conditions:
Cardiovascular phenotype. Identifiers: MedGen CN230736.
Primary dilated cardiomyopathy (DCM). Also called: Dilated Cardiomyopathy. Identifiers: Orphanet 217604, MedGen C0007193, MeSH D002311, MONDO:0005021, HP:0001644. Inheritance: Various modes of inheritance.
Hypertrophic cardiomyopathy 26. Also called: Cardiomyopathy, familial hypertrophic, 26. Identifiers: Orphanet 75249, MedGen C4310749, MONDO:0014883, OMIM 617047.
Myofibrillar myopathy 5. Also called: Filaminopathy (type); FILAMINOPATHY, AUTOSOMAL DOMINANT. Identifiers: Orphanet 171445, MedGen C1836050, MONDO:0012289, OMIM 609524.
Distal myopathy with posterior leg and anterior hand involvement. Also called: WILLIAMS DISTAL MYOPATHY. Identifiers: Orphanet 63273, MedGen C3279722, MONDO:0013550, OMIM 614065.

Allele frequency attached by ClinVar (database versions not stated): 1000 Genomes Project 30x 0.00016; gnomAD exomes 0.00017 and 0.00055; ExAC 0.00018; 1000 Genomes Project 0.00020; gnomAD 0.00026; TOPMed 0.00027; ESP Exome Variant Server 0.00040.
gnomAD v4.1: 847 of 1,604,434 alleles (0.053%); highest among the groups gnomAD compares: Non-Finnish European, 0.067%; 1 homozygote.

Submissions (11):

GeneDx
Classification: Uncertain significance. Last evaluated: 2026-08-13. Review status: criteria provided, single submitter. Criteria: GeneDx Variant Classification Process June 2021. Collection method: clinical testing. Allele origin: germline.
Comment: In silico analysis supports that this missense variant has a deleterious effect on protein structure/function; Has not been previously published as pathogenic or benign to our knowledge; This variant is associated with the following publications: (PMID: 35026164, 28008423, 32112656, 23109048)

Labcorp Genetics (formerly Invitae), Labcorp
Classification: Likely benign for Distal myopathy with posterior leg and anterior hand involvement; Myofibrillar myopathy 5; Hypertrophic cardiomyopathy 26. Last evaluated: 2026-02-01. Review status: criteria provided, single submitter. Criteria: Invitae Variant Classification Sherloc (09022015). Collection method: clinical testing. Allele origin: germline.

Mayo Clinic Laboratories, Mayo Clinic
Classification: Uncertain significance. Last evaluated: 2025-06-26. Review status: criteria provided, single submitter. Criteria: ACMG Guidelines, 2015. Collection method: clinical testing. Allele origin: germline. Observed: 2 variant alleles.
Comment: BS2

Molecular Diagnostic Laboratory for Inherited Cardiovascular Disease, Montreal Heart Institute
Classification: Uncertain significance for Cardiovascular phenotype. Last evaluated: 2025-04-09. Review status: criteria provided, single submitter. Criteria: ACMG Guidelines, 2015. Collection method: clinical testing. Allele origin: germline. Affected: yes.

Blueprint Genetics
Classification: Likely benign. Last evaluated: 2024-09-11. Review status: criteria provided, single submitter. Criteria: ACMG Guidelines, 2015. Collection method: clinical testing. Allele origin: germline.

Women's Health and Genetics/Laboratory Corporation of America, LabCorp
Classification: Likely benign. Last evaluated: 2024-07-30. Review status: criteria provided, single submitter. Criteria: LabCorp Variant Classification Summary - May 2015. Collection method: clinical testing. Allele origin: germline.
Comment: Variant summary: FLNC c.4097A>G (p.Asn1366Ser) results in a conservative amino acid change in the encoded protein sequence. Three of five in-silico tools predict a benign effect of the variant on protein function. The variant allele was found at a frequency of 0.00017 in 242006 control chromosomes, predominantly at a frequency of 0.00031 within the Non-Finnish European subpopulation in the gnomAD database. The observed variant frequency within Non-Finnish European control individuals in the gnomAD database is approximately 28 fold of the estimated maximal expected allele frequency for a pathogenic variant in FLNC causing Cardiomyopathy phenotype (1.1e-05). To our knowledge, no occurrence of c.4097A>G in individuals affected with Cardiomyopathy and no experimental evidence demonstrating its impact on protein function have been reported. ClinVar contains an entry for this variant (Variation ID: 472060). Based on the evidence outlined above, the variant was classified as likely benign.

Revvity Omics, Revvity
Classification: Uncertain significance. Last evaluated: 2024-06-18. Review status: criteria provided, single submitter. Criteria: ACMG Guidelines, 2015. Collection method: clinical testing. Allele origin: germline.

CeGaT Center for Human Genetics Tuebingen
Classification: Uncertain significance. Last evaluated: 2024-06-01. Review status: criteria provided, single submitter. Criteria: CeGaT Center For Human Genetics Tuebingen Variant Classification Criteria Version 2. Collection method: clinical testing. Allele origin: germline. Affected: yes. Observed: 3 variant alleles.

Ambry Genetics
Classification: Uncertain significance for Cardiovascular phenotype. Last evaluated: 2023-12-14. Review status: criteria provided, single submitter. Criteria: Ambry Variant Classification Scheme 2023. Collection method: clinical testing. Allele origin: germline.
Comment: The p.N1366S variant (also known as c.4097A>G), located in coding exon 23 of the FLNC gene, results from an A to G substitution at nucleotide position 4097. The asparagine at codon 1366 is replaced by serine, an amino acid with highly similar properties. This alteration has been reported in a pediatric cardiomyopathy cohort (Ware SM et al. Am J Hum Genet, 2022 Feb;109:282-298). This amino acid position is well conserved in available vertebrate species. In addition, this alteration is predicted to be tolerated by in silico analysis. Since supporting evidence is limited at this time, the clinical significance of this alteration remains unclear.

Victorian Clinical Genetics Services, Murdoch Childrens Research Institute
Classification: Uncertain significance for Primary dilated cardiomyopathy. Last evaluated: 2021-05-06. Review status: criteria provided, single submitter. Criteria: ACMG Guidelines, 2015. Collection method: clinical testing. Allele origin: germline. Inheritance: Autosomal dominant inheritance. Affected: yes.
Comment: Based on the classification scheme VCGS_Germline_v1.3.4, this variant is classified as VUS-3B. Following criteria are met: 0103 - Loss of function and gain of function are known mechanisms of disease in this gene and are associated with FLNC-related disease. Loss of function variants have been reported to cause myofibrillar myopathy, 5 (MIM#609524), distal myopathy, 4 (MIM#614065), familial hypertrophic cardiomyopathy, 26 (MIM#617047) and dilated cardiomyopathy (PMID: 32112656). Gain of function variants have also been reported to cause distal myopathy, 4 (MIM#614065) (PMID: 28008423, PMID: 23109048). (I) 0107 - This gene is associated with autosomal dominant disease. (I) 0200 - Variant is predicted to result in a missense amino acid change from asparagine to serine. (I) 0251 - This variant is heterozygous. (I) 0302 - Variant is present in gnomAD (v2) <0.001 for a dominant condition (44 heterozygotes, 0 homozygotes). (SP) 0501 - Missense variant consistently predicted to be damaging by multiple in silico tools or highly conserved with a major amino acid change. (SP) 0600 - Variant is located in the annotated filamin 12 repeat (NCBI, Uniprot). (I) 0705 - No comparable missense variants have previous evidence for pathogenicity. (I) 0809 - Previous evidence of pathogenicity for this variant is inconclusive. This variant has been previously reported as a VUS (ClinVar). (I) 0905 - No published segregation evidence has been identified for this variant. (I) 1007 - No published functional evidence has been identified for this variant. (I) 1208 - Inheritance information for this variant is not currently available in this individual. (I) Legend: (SP) - Supporting pathogenic, (I) - Information, (SB) - Supporting benign

Dr. Peter K. Rogan Lab, Western University
No classification provided (evidence only). Condition: Sarcoma. Review status: no classification provided. Collection method: in vitro. Allele origin: not applicable. Functional consequence: retained intron. Not counted in ClinVar's aggregate classification.

Literature cited by the submitters: PubMed 35026164 (cited by Mayo Clinic Laboratories, Mayo Clinic and Ambry Genetics); PubMed 23109048 (cited by Victorian Clinical Genetics Services, Murdoch Childrens Research Institute); PubMed 28008423 (cited by Victorian Clinical Genetics Services, Murdoch Childrens Research Institute); PubMed 32112656 (cited by Victorian Clinical Genetics Services, Murdoch Childrens Research Institute).

NM_001458.5(FLNC):c.4097A>G (p.Asn1366Ser)

Gene: FLNC (filamin C; plus strand). Cytogenetic location: 7q32.1.
Variant type: single nucleotide variant.
Coding change: c.4097A>G on transcript NM_001458.5 (MANE Select); coding-DNA position 4097, A replaced by G.
Protein change: p.Asn1366Ser; replaces asparagine 1366 with serine.
Molecular consequence: missense variant.
Genome position (GRCh38, 1-based): chr7:128,846,433, A>G. VCF-style: chr7-128846433-A-G. GRCh37 (hg19) VCF-style: chr7-128486487-A-G.
Other names: p.Asn1366Ser; c.4097A>G, p.Asn1366Ser (NM_001127487.2); short protein forms N1366S.
Identifiers: ClinVar variation 472060 (VCV000472060.50), dbSNP rs185746835, ClinGen allele CA4475237.
Genomic context (GRCh38, chr7:128,846,433, plus strand): 5'-AGGGCTGTGATCCCACCCGCGTCCGAGCCTTCGGGCCAGGCCTGGAGGGTGGCTTGGTCA[A>G]CAAGGCCAACCGATTCACTGTGGAGACCAGGTATCCTCCCCCTTTGCTAGCCTAAATCTG-3'
Protein context (NP_001449.3, residues 1356-1376): FGPGLEGGLV[Asn1366Ser]KANRFTVETR